The following is an entry in ClinVar:

NM_015158.5(KANK1):c.151G>A (p.Asp51Asn)

Gene: KANK1 (KN motif and ankyrin repeat domains 1; plus strand). Cytogenetic location: 9p24.3.
Variant type: single nucleotide variant.
Coding change: c.151G>A on transcript NM_015158.5 (MANE Select); coding-DNA position 151, G replaced by A.
Protein change: p.Asp51Asn; replaces aspartic acid 51 with asparagine.
Molecular consequence: missense variant. On other transcripts: 5 prime UTR variant (12), non-coding transcript variant (1).
Genome position (GRCh38, 1-based): chr9:710,917, G>A. VCF-style: chr9-710917-G-A. GRCh37 (hg19) VCF-style: chr9-710917-G-A.
Other names: c.151G>A, p.Asp51Asn (NM_001256876.3, NM_001256877.3, NM_001354331.2 and 2 more transcripts); c.-324G>A (NM_001354333.2, NM_001354335.2, NM_001354336.2 and 9 more transcripts); short protein forms D51N.
Identifiers: ClinVar variation 1534106 (VCV001534106.9), dbSNP rs201262082, ClinGen allele CA4959859.

ClinVar aggregate classification (germline): Conflicting classifications of pathogenicity. Review status: criteria provided, conflicting classifications (1 of 4 stars). 2 submissions from 2 submitters: Uncertain significance (1); Likely benign (1). Last evaluated 2023-09-27.

Allele frequency attached by ClinVar (database versions not stated): ESP Exome Variant Server 0.00008; TOPMed 0.00012; ExAC 0.00013; gnomAD 0.00013 and 0.00014; gnomAD exomes 0.00016.
gnomAD v4.1: 141 of 1,613,992 alleles (0.0087%); highest among the groups gnomAD compares: African/African-American, 0.011%; 1 homozygote.

Submissions (2):

Labcorp Genetics (formerly Invitae), Labcorp
Classification: Likely benign. Last evaluated: 2023-09-27. Review status: criteria provided, single submitter. Criteria: Invitae Variant Classification Sherloc (09022015). Collection method: clinical testing. Allele origin: germline.

Women's Health and Genetics/Laboratory Corporation of America, LabCorp
Classification: Uncertain significance. Last evaluated: 2022-12-14. Review status: criteria provided, single submitter. Criteria: LabCorp Variant Classification Summary - May 2015. Collection method: clinical testing. Allele origin: germline.
Comment: Variant summary: KANK1 c.151G>A (p.Asp51Asn) results in a conservative amino acid change in the encoded protein sequence. Two of three in-silico tools predict a benign effect of the variant on protein function. The variant allele was found at a frequency of 0.00016 in 251486 control chromosomes in the gnomAD database, including 1 homozygotes. To our knowledge, no occurrence of c.151G>A in individuals affected with Cerebral Palsy, Spastic Quadriplegic, 2 and no experimental evidence demonstrating its impact on protein function have been reported. The currently available data is insufficient to make conclusions on the variant significance. One clinical diagnostic laboratory has submitted clinical-significance assessments for this variant to ClinVar after 2014 and classified the variant as likely benign. Based on the evidence outlined above, the variant was classified as uncertain significance.